The following is an entry in ClinVar:

ClinVar aggregate classification (germline): Likely benign. Review status: criteria provided, multiple submitters, no conflicts (2 of 4 stars). 2 submissions from 2 submitters: Likely benign (2). Last evaluated 2024-09-01.

Submissions (2):

CeGaT Center for Human Genetics Tuebingen
Classification: Likely benign. Last evaluated: 2024-09-01. Review status: criteria provided, single submitter. Criteria: CeGaT Center For Human Genetics Tuebingen Variant Classification Criteria Version 2. Collection method: clinical testing. Allele origin: germline. Affected: yes. Observed: 5 variant alleles.
Comment: THOC6: BP4, BP7

Labcorp Genetics (formerly Invitae), Labcorp
Classification: Likely benign. Last evaluated: 2018-07-05. Review status: criteria provided, single submitter. Criteria: Invitae Variant Classification Sherloc (09022015). Collection method: clinical testing. Allele origin: germline.

NM_024339.5(THOC6):c.381T>G (p.Pro127=)

Gene: THOC6 (THO complex subunit 6; plus strand). Cytogenetic location: 16p13.3.
Variant type: single nucleotide variant.
Coding change: c.381T>G on transcript NM_024339.5 (MANE Select); coding-DNA position 381, T replaced by G.
Protein change: p.Pro127=; no amino-acid change (proline 127 retained).
Molecular consequence: synonymous variant.
Genome position (GRCh38, 1-based): chr16:3,026,383, T>G. VCF-style: chr16-3026383-T-G. GRCh37 (hg19) VCF-style: chr16-3076384-T-G.
Other names: c.381T>G, p.Pro127= (NM_001142350.3, NM_001347704.2); c.309T>G, p.Pro103= (NM_001347703.2).
Identifiers: ClinVar variation 737853 (VCV000737853.27), dbSNP rs1596477517, ClinGen allele CA493222557.
Genomic context (GRCh38, chr16:3,026,383, plus strand): 5'-GGTGAAGCCACTTCCTCACTGACCTTGCCTTTCCTTCCCCAGGACCAGCCTGGAAGTGCC[T>G]GAGATCAACGCTTTGCTGCTGGTCCCCAAGGTCTGAGCCCCATGTGACTGTTCTTGGTCC-3'
Protein context (NP_077315.2, residues 117-137): QPPYRTSLEV[Pro127=]EINALLLVPK